The following is an entry in ClinVar:

NM_201384.3(PLEC):c.12220GAG[1] (p.Glu4075del)

Gene: PLEC (plectin; minus strand). Cytogenetic location: 8q24.3.
Variant type: Microsatellite.
Coding change: c.12220GAG[1] on transcript NM_201384.3 (MANE Select); one copy of the 3-base unit GAG starting at c.12220; the reference has two copies in a row; one copy, 3 bases deleted.
Protein change: p.Glu4075del; deletes glutamic acid 4075.
Molecular consequence: inframe deletion.
Genome position (GRCh38, 1-based): chr8:143,917,596-143,917,598, CTC deleted on the plus strand (GAG on the coding strand, the reverse complement: PLEC is on the minus strand); deleting any 3 consecutive bases within chr8:143,917,596-143,917,601 gives the same sequence; the position shown is the placement nearest the transcript's 3' end. VCF-style (leftmost placement, unchanged base first): chr8-143917595-TCTC-T. GRCh37 (hg19) VCF-style: chr8-144991763-TCTC-T.
Other names: c.12301GAG[1], p.Glu4102del (NM_000445.5); c.8920GAG[1], p.Glu2975del (NM_001410941.1); c.12178GAG[1], p.Glu4061del (NM_201378.4); c.12154GAG[1], p.Glu4053del (NM_201379.3); c.12631GAG[1], p.Glu4212del (NM_201380.4); c.12124GAG[1], p.Glu4043del (NM_201381.3); c.12220GAG[1], p.Glu4075del (NM_201382.4); c.12232GAG[1], p.Glu4079del (NM_201383.3); short protein forms E2975del, E4043del, E4053del, E4212del, E4075del, E4079del, E4102del, E4061del.
Identifiers: ClinVar variation 2927783 (VCV002927783.3), dbSNP rs782071263, ClinGen allele CA4924146.

ClinVar aggregate classification (germline): Uncertain significance (1 of 4 stars; one submission).

Conditions:
Epidermolysis bullosa simplex with nail dystrophy (EBS5D). Identifiers: MedGen C4225309, MONDO:0014661, OMIM 616487.
Epidermolysis bullosa simplex 5B, with muscular dystrophy (EBS5B). Also called: EPIDERMOLYSIS BULLOSA SIMPLEX AND LIMB-GIRDLE MUSCULAR DYSTROPHY; Epidermolysis bullosa simplex with muscular dystrophy. Identifiers: Orphanet 257, MedGen C2931072, MONDO:0009181, OMIM 226670.
Epidermolysis bullosa simplex 5C, with pyloric atresia (EBS5C). Also called: PLEC-Related Epidermolysis Bullosa with Pyloric Atresia; Epidermolysis bullosa simplex with pyloric atresia; PLEC1-Related Epidermolysis Bullosa with Pyloric Atresia. Identifiers: Orphanet 158684, MedGen C2677349, MONDO:0012807, OMIM 612138.
Autosomal recessive limb-girdle muscular dystrophy type 2Q (LGMDR17). Also called: MUSCULAR DYSTROPHY, LIMB-GIRDLE, AUTOSOMAL RECESSIVE 17. Identifiers: Orphanet 254361, MedGen C3150989, MONDO:0013390, OMIM 613723.
Epidermolysis bullosa simplex, Ogna type (EBS5A). Also called: Pidermolysis bullosa simplex 5A, Ogna type; EPIDERMOLYSIS BULLOSA SIMPLEX 5A, OGNA TYPE. Identifiers: Orphanet 79401, MedGen C0432317, MONDO:0007555, OMIM 131950.

Submission:

Labcorp Genetics (formerly Invitae), Labcorp
Classification: Uncertain significance for Autosomal recessive limb-girdle muscular dystrophy type 2Q; Epidermolysis bullosa simplex, Ogna type; Epidermolysis bullosa simplex with nail dystrophy; Epidermolysis bullosa simplex 5C, with pyloric atresia; Epidermolysis bullosa simplex 5B, with muscular dystrophy. Last evaluated: 2024-01-12. Review status: criteria provided, single submitter. Criteria: Invitae Variant Classification Sherloc (09022015). Collection method: clinical testing. Allele origin: germline.
Comment: This variant, c.12304_12306del, results in the deletion of 1 amino acid(s) of the PLEC protein (p.Glu4102del), but otherwise preserves the integrity of the reading frame. This variant is present in population databases (rs782071263, gnomAD 0.004%). This variant has not been reported in the literature in individuals affected with PLEC-related conditions. Experimental studies and prediction algorithms are not available or were not evaluated, and the functional significance of this variant is currently unknown. In summary, the available evidence is currently insufficient to determine the role of this variant in disease. Therefore, it has been classified as a Variant of Uncertain Significance.